The following is an entry in ClinVar:

ClinVar aggregate classification (germline): Likely pathogenic (1 of 4 stars; one submission).

Submission:

GeneDx
Classification: Likely pathogenic. Last evaluated: 2026-05-18. Review status: criteria provided, single submitter. Criteria: GeneDx Variant Classification Process June 2021. Collection method: clinical testing. Allele origin: germline.
Comment: Frameshift variant predicted to result in protein truncation or nonsense mediated decay in a gene for which loss of function is a known mechanism of disease; Not observed at significant frequency in large population cohorts (gnomAD); Has not been previously published as pathogenic or benign in association with a DSG2-related disorder to our knowledge; This variant is associated with the following publications: (PMID: 32686758)

NM_001943.5(DSG2):c.375dup (p.Leu126fs)

Gene: DSG2 (desmoglein 2; plus strand). Cytogenetic location: 18q12.1.
Variant type: Duplication.
Coding change: c.375dup on transcript NM_001943.5 (MANE Select); coding-DNA position 375, one base duplicated (T; older notation c.375dupT).
Protein change: p.Leu126fs; shifts the reading frame from leucine 126.
Molecular consequence: frameshift variant.
Genome position (GRCh38, 1-based): chr18:31,520,961, T duplicated; the last of 6 consecutive T bases (chr18:31,520,956-31,520,961); duplicating any one gives the same sequence. VCF-style (leftmost placement, unchanged base first): chr18-31520955-A-AT. GRCh37 (hg19) VCF-style: chr18-29100918-A-AT.
Other names: short protein forms L126fs.
Identifiers: ClinVar variation 3343848 (VCV003343848.2).
Genomic context (GRCh38, chr18:31,520,955, plus strand): 5'-CTTTAACAAAGATACTGGAGAACTGAATGTTACCAGCATTCTTGATCGAGAAGAAACACC[A>AT]TTTTTTCTGGTAAGAAGAATAATTTTAGATTTATTAGTTTGTAGTTTTTCTGTCATAATA-3'